The following is an entry in ClinVar:

ClinVar aggregate classification (germline): Benign/Likely benign. Review status: criteria provided, multiple submitters, no conflicts (2 of 4 stars). 4 submissions from 4 submitters: Benign (1); Likely benign (3). Last evaluated 2025-01-21.

Conditions:
Familial cancer of breast. Also called: Hereditary breast cancer; hereditary breast carcinoma; BREAST CANCER, FAMILIAL. Identifiers: Orphanet 227535, MedGen C0346153, MONDO:0016419, OMIM 114480. Disease mechanism: loss of function.
Hereditary cancer-predisposing syndrome. Also called: Hereditary Cancer Syndrome; Hereditary neoplastic syndrome; Neoplastic Syndromes, Hereditary; Tumor predisposition. Identifiers: Orphanet 140162, MedGen C0027672, MeSH D009386, MONDO:0015356.

Allele frequency attached by ClinVar (database versions not stated): gnomAD exomes below 0.00001.
gnomAD v4.1: 2 of 1,614,110 alleles (0.00012%); highest among the groups gnomAD compares: Non-Finnish European, 0.000085%; no homozygotes.

Submissions (4):

Myriad Genetics, Inc.
Classification: Benign for Familial cancer of breast. Last evaluated: 2025-01-21. Review status: criteria provided, single submitter. Criteria: Myriad Autosomal Dominant, Autosomal Recessive and X-Linked Classification Criteria (2023). Collection method: clinical testing. Allele origin: unknown.
Comment: This variant is considered benign. This variant is a silent/synonymous amino acid change and it is not expected to impact splicing.

Labcorp Genetics (formerly Invitae), Labcorp
Classification: Likely benign for Familial cancer of breast. Last evaluated: 2024-04-24. Review status: criteria provided, single submitter. Criteria: Invitae Variant Classification Sherloc (09022015). Collection method: clinical testing. Allele origin: germline.

Ambry Genetics
Classification: Likely benign for Hereditary cancer-predisposing syndrome. Last evaluated: 2021-07-02. Review status: criteria provided, single submitter. Criteria: Ambry Variant Classification Scheme 2023. Collection method: clinical testing. Allele origin: germline.

GeneDx
Classification: Likely benign. Last evaluated: 2019-09-25. Review status: criteria provided, single submitter. Criteria: GeneDx Variant Classification Process June 2021. Collection method: clinical testing. Allele origin: germline. Affected: yes.
Comment: Not observed in large population cohorts (Lek 2016)

NM_024675.4(PALB2):c.2901A>G (p.Lys967=)

Gene: PALB2 (partner and localizer of BRCA2; minus strand). Cytogenetic location: 16p12.2.
Variant type: single nucleotide variant.
Coding change: c.2901A>G on transcript NM_024675.4 (MANE Select); coding-DNA position 2901, A replaced by G.
Protein change: p.Lys967=; no amino-acid change (lysine 967 retained).
Molecular consequence: synonymous variant.
Genome position (GRCh38, 1-based): chr16:23,623,064, T>C on the plus strand (A>G on the coding strand, the complement: PALB2 is on the minus strand). VCF-style: chr16-23623064-T-C. GRCh37 (hg19) VCF-style: chr16-23634385-T-C.
Identifiers: ClinVar variation 390061 (VCV000390061.17), dbSNP rs1057523633, ClinGen allele CA16608107.